The following is an entry in ClinVar:

NM_004813.4(PEX16):c.463G>A (p.Gly155Ser)

Gene: PEX16 (peroxisomal biogenesis factor 16; minus strand). Cytogenetic location: 11p11.2.
Variant type: single nucleotide variant.
Coding change: c.463G>A on transcript NM_004813.4 (MANE Select); coding-DNA position 463, G replaced by A.
Protein change: p.Gly155Ser; replaces glycine 155 with serine.
Molecular consequence: missense variant.
Genome position (GRCh38, 1-based): chr11:45,914,682, C>T on the plus strand (G>A on the coding strand, the complement: PEX16 is on the minus strand). VCF-style: chr11-45914682-C-T. GRCh37 (hg19) VCF-style: chr11-45936233-C-T.
Other names: c.463G>A, p.Gly155Ser (NM_057174.3); short protein forms G155S.
Identifiers: ClinVar variation 1353971 (VCV001353971.6), dbSNP rs2134693988, ClinGen allele CA380227509.

ClinVar aggregate classification (germline): Uncertain significance (1 of 4 stars; one submission).

Conditions:
Peroxisome biogenesis disorder. Identifiers: Orphanet 79189, MedGen C1832200, MONDO:0019234. Disease mechanism: loss of function.

Submission:

Labcorp Genetics (formerly Invitae), Labcorp
Classification: Uncertain significance for Peroxisome biogenesis disorder. Last evaluated: 2022-08-10. Review status: criteria provided, single submitter. Criteria: Invitae Variant Classification Sherloc (09022015). Collection method: clinical testing. Allele origin: germline.
Comment: In summary, the available evidence is currently insufficient to determine the role of this variant in disease. Therefore, it has been classified as a Variant of Uncertain Significance. Algorithms developed to predict the effect of sequence changes on RNA splicing suggest that this variant may create or strengthen a splice site. Algorithms developed to predict the effect of missense changes on protein structure and function (SIFT, PolyPhen-2, Align-GVGD) all suggest that this variant is likely to be tolerated. ClinVar contains an entry for this variant (Variation ID: 1353971). This variant has not been reported in the literature in individuals affected with PEX16-related conditions. This variant is not present in population databases (gnomAD no frequency). This sequence change replaces glycine, which is neutral and non-polar, with serine, which is neutral and polar, at codon 155 of the PEX16 protein (p.Gly155Ser).